The following is an entry in ClinVar:

NM_001242896.3(DEPDC5):c.2711G>C (p.Cys904Ser)

Gene: DEPDC5 (DEP domain containing 5, GATOR1 subcomplex subunit; plus strand). Cytogenetic location: 22q12.3.
Variant type: single nucleotide variant.
Coding change: c.2711G>C on transcript NM_001242896.3 (MANE Select); coding-DNA position 2711, G replaced by C.
Protein change: p.Cys904Ser; replaces cysteine 904 with serine.
Molecular consequence: missense variant. On other transcripts: non-coding transcript variant (5).
Genome position (GRCh38, 1-based): chr22:31,843,722, G>C. VCF-style: chr22-31843722-G-C. GRCh37 (hg19) VCF-style: chr22-32239708-G-C.
Other names: c.2684G>C, p.Cys895Ser (NM_001136029.4, NM_001369903.1, NM_014662.6); c.2477G>C, p.Cys826Ser (NM_001242897.2, NM_001363854.2, NM_001364319.2); c.2711G>C, p.Cys904Ser (NM_001363852.2, NM_001364318.2, NM_001364320.2); c.2627G>C, p.Cys876Ser (NM_001369901.1, NM_001369902.1); short protein forms C826S, C876S, C895S, C904S.
Identifiers: ClinVar variation 3767462 (VCV003767462.1).
Genomic context (GRCh38, chr22:31,843,722, plus strand): 5'-CCCAGATCCACTACACCTACAGCCTCTGTCCTTCCCACTCAGACTCAGAGTTCGTCTCCT[G>C]CTGGGTGGAATTCTCCCACGAACGGCTGGAGGAGTACAAGTGGAATTACTTAGATCAGTA-3'
Protein context (NP_001229825.1, residues 894-914): PSHSDSEFVS[Cys904Ser]WVEFSHERLE

ClinVar aggregate classification (germline): Uncertain significance (1 of 4 stars; one submission).

gnomAD v4.1: 1 of 1,613,988 alleles (0.000062%); highest among the groups gnomAD compares: Non-Finnish European, 0.000085%; no homozygotes.

Submission:

GeneDx
Classification: Uncertain significance. Last evaluated: 2024-09-05. Review status: criteria provided, single submitter. Criteria: GeneDx Variant Classification Process June 2021. Collection method: clinical testing. Allele origin: germline. Affected: yes.
Comment: Not observed at significant frequency in large population cohorts (gnomAD); In silico analysis indicates that this missense variant does not alter protein structure/function; Has not been previously published as pathogenic or benign to our knowledge